The following is an entry in ClinVar:

NM_000064.4(C3):c.250G>A (p.Gly84Ser)

Gene: C3 (complement C3; minus strand). Cytogenetic location: 19p13.3.
Variant type: single nucleotide variant.
Coding change: c.250G>A on transcript NM_000064.4 (MANE Select); coding-DNA position 250, G replaced by A.
Protein change: p.Gly84Ser; replaces glycine 84 with serine.
Molecular consequence: missense variant.
Genome position (GRCh38, 1-based): chr19:6,719,228, C>T on the plus strand (G>A on the coding strand, the complement: C3 is on the minus strand). VCF-style: chr19-6719228-C-T. GRCh37 (hg19) VCF-style: chr19-6719239-C-T.
Other names: short protein forms G84S.
Identifiers: ClinVar variation 2807263 (VCV002807263.3), dbSNP rs1433338521, ClinGen allele CA403645738.

ClinVar aggregate classification (germline): Uncertain significance (1 of 4 stars; one submission).

Allele frequency attached by ClinVar (database versions not stated): gnomAD 0.00001.
gnomAD v4.1: 1 of 1,613,766 alleles (0.000062%); highest among the groups gnomAD compares: Non-Finnish European, 0.000085%; no homozygotes.

Submission:

Labcorp Genetics (formerly Invitae), Labcorp
Classification: Uncertain significance. Last evaluated: 2023-03-12. Review status: criteria provided, single submitter. Criteria: Invitae Variant Classification Sherloc (09022015). Collection method: clinical testing. Allele origin: germline.
Comment: In summary, the available evidence is currently insufficient to determine the role of this variant in disease. Therefore, it has been classified as a Variant of Uncertain Significance. Advanced modeling of protein sequence and biophysical properties (such as structural, functional, and spatial information, amino acid conservation, physicochemical variation, residue mobility, and thermodynamic stability) performed at Invitae indicates that this missense variant is not expected to disrupt C3 protein function. This variant has not been reported in the literature in individuals affected with C3-related conditions. This variant is present in population databases (no rsID available, gnomAD 0.007%). This sequence change replaces glycine, which is neutral and non-polar, with serine, which is neutral and polar, at codon 84 of the C3 protein (p.Gly84Ser).